The following is an entry in ClinVar:

NM_001161352.2(KCNMA1):c.2786A>G (p.Asn929Ser)

Genes: KCNMA1-AS1 (KCNMA1 antisense RNA 1; plus strand), KCNMA1 (potassium calcium-activated channel subfamily M alpha 1; minus strand). Cytogenetic location: 10q22.3.
Variant type: single nucleotide variant.
Coding change: c.2786A>G on transcript NM_001161352.2 (MANE Select); coding-DNA position 2786, A replaced by G.
Protein change: p.Asn929Ser; replaces asparagine 929 with serine.
Molecular consequence: missense variant.
Genome position (GRCh38, 1-based): chr10:76,944,889, T>C on the plus strand (A>G on the coding strand, the complement: KCNMA1 is on the minus strand). VCF-style: chr10-76944889-T-C. GRCh37 (hg19) VCF-style: chr10-78704647-T-C.
Other names: c.2624A>G, p.Asn875Ser (NM_001014797.3, NM_001322835.2, NM_001322837.2); c.2735A>G, p.Asn912Ser (NM_001161353.2); c.2462A>G, p.Asn821Ser (NM_001271518.2); c.2621A>G, p.Asn874Ser (NM_001271519.2, NM_001322829.2, NM_001322836.2); c.2633A>G, p.Asn878Ser (NM_001322830.2); c.2612A>G, p.Asn871Ser (NM_001322832.2, NM_001410940.1, NM_002247.4); c.2159A>G, p.Asn720Ser (NM_001322838.2); short protein forms N821S, N720S, N871S, N874S, N875S, N878S, N929S, N912S.
Identifiers: ClinVar variation 2838863 (VCV002838863.3), dbSNP rs1174147634, ClinGen allele CA377405553.

ClinVar aggregate classification (germline): Uncertain significance (1 of 4 stars; one submission).

Conditions:
Generalized epilepsy-paroxysmal dyskinesia syndrome (PNKD3). Also called: Generalized epilepsy and paroxysmal dyskinesia; Paroxysmal nonkinesigenic dyskinesia, 3, with or without generalized epilepsy. Identifiers: Orphanet 79137, MedGen C5574945, MONDO:0012276, OMIM 609446.

Allele frequency attached by ClinVar (database versions not stated): gnomAD exomes below 0.00001.
gnomAD v4.1: 1 of 1,614,002 alleles (0.000062%); highest among the groups gnomAD compares: Admixed American, 0.0017%; no homozygotes.

Submission:

Labcorp Genetics (formerly Invitae), Labcorp
Classification: Uncertain significance for Generalized epilepsy-paroxysmal dyskinesia syndrome. Last evaluated: 2024-08-13. Review status: criteria provided, single submitter. Criteria: Invitae Variant Classification Sherloc (09022015). Collection method: clinical testing. Allele origin: germline.
Comment: This sequence change replaces asparagine, which is neutral and polar, with serine, which is neutral and polar, at codon 871 of the KCNMA1 protein (p.Asn871Ser). This variant is present in population databases (no rsID available, gnomAD 0.003%). This variant has not been reported in the literature in individuals affected with KCNMA1-related conditions. Invitae Evidence Modeling of protein sequence and biophysical properties (such as structural, functional, and spatial information, amino acid conservation, physicochemical variation, residue mobility, and thermodynamic stability) indicates that this missense variant is not expected to disrupt KCNMA1 protein function with a negative predictive value of 80%. In summary, the available evidence is currently insufficient to determine the role of this variant in disease. Therefore, it has been classified as a Variant of Uncertain Significance.